The following is an entry in ClinVar:

ClinVar aggregate classification (germline): Uncertain significance (1 of 4 stars; one submission).

Conditions:
Intellectual developmental disorder, autosomal dominant 1. Also called: MBD5 Haploinsufficiency; Intellectual disability, autosomal dominant 1. Identifiers: Orphanet 228402, MedGen C1969562, MONDO:0007974, OMIM 156200.

Submission:

Labcorp Genetics (formerly Invitae), Labcorp
Classification: Uncertain significance for Intellectual developmental disorder, autosomal dominant 1. Last evaluated: 2022-06-09. Review status: criteria provided, single submitter. Criteria: Invitae Variant Classification Sherloc (09022015). Collection method: clinical testing. Allele origin: germline.
Comment: This sequence change replaces asparagine, which is neutral and polar, with tyrosine, which is neutral and polar, at codon 1451 of the MBD5 protein (p.Asn1451Tyr). This variant is not present in population databases (gnomAD no frequency). In summary, the available evidence is currently insufficient to determine the role of this variant in disease. Therefore, it has been classified as a Variant of Uncertain Significance. Algorithms developed to predict the effect of missense changes on protein structure and function are either unavailable or do not agree on the potential impact of this missense change (SIFT: "Deleterious"; PolyPhen-2: "Not Available"; Align-GVGD: "Class C15"). This variant has not been reported in the literature in individuals affected with MBD5-related conditions.

NM_001378120.1(MBD5):c.5050A>T (p.Asn1684Tyr)

Gene: MBD5 (methyl-CpG binding domain protein 5; plus strand). Cytogenetic location: 2q23.1.
Variant type: single nucleotide variant.
Coding change: c.5050A>T on transcript NM_001378120.1 (MANE Select); coding-DNA position 5050, A replaced by T.
Protein change: p.Asn1684Tyr; replaces asparagine 1684 with tyrosine.
Molecular consequence: missense variant.
Genome position (GRCh38, 1-based): chr2:148,510,073, A>T. VCF-style: chr2-148510073-A-T. GRCh37 (hg19) VCF-style: chr2-149267642-A-T.
Other names: c.4351A>T, p.Asn1451Tyr (NM_018328.5); short protein forms N1451Y, N1684Y.
Identifiers: ClinVar variation 2003969 (VCV002003969.4), dbSNP rs2470171293, ClinGen allele CA348859170.